The following is an entry in ClinVar:

ClinVar aggregate classification (germline): Uncertain significance (1 of 4 stars; one submission).

Submission:

Ambry Genetics
Classification: Uncertain significance. Last evaluated: 2023-03-04. Review status: criteria provided, single submitter. Criteria: Ambry Variant Classification Scheme 2023. Collection method: clinical testing. Allele origin: germline.
Comment: The p.A510G variant (also known as c.1529C>G), located in coding exon 15 of the PRKDC gene, results from a C to G substitution at nucleotide position 1529. The alanine at codon 510 is replaced by glycine, an amino acid with similar properties. This amino acid position is conserved. In addition, this alteration is predicted to be tolerated by in silico analysis. Since supporting evidence is limited at this time, the clinical significance of this alteration remains unclear.

NM_006904.7(PRKDC):c.1529C>G (p.Ala510Gly)

Gene: PRKDC (protein kinase, DNA-activated, catalytic subunit; minus strand). Cytogenetic location: 8q11.21.
Variant type: single nucleotide variant.
Coding change: c.1529C>G on transcript NM_006904.7 (MANE Select); coding-DNA position 1529, C replaced by G.
Protein change: p.Ala510Gly; replaces alanine 510 with glycine.
Molecular consequence: missense variant.
Genome position (GRCh38, 1-based): chr8:47,934,059, G>C on the plus strand (C>G on the coding strand, the complement: PRKDC is on the minus strand). VCF-style: chr8-47934059-G-C. GRCh37 (hg19) VCF-style: chr8-48846619-G-C.
Other names: c.1529C>G, p.Ala510Gly (NM_001081640.2); short protein forms A510G.
Identifiers: ClinVar variation 2449906 (VCV002449906.2), dbSNP rs1408325203, ClinGen allele CA371165451.